The following is an entry in ClinVar:

ClinVar aggregate classification (germline): Uncertain significance (1 of 4 stars; one submission).

Submission:

GeneDx
Classification: Uncertain significance. Last evaluated: 2025-07-18. Review status: criteria provided, single submitter. Criteria: GeneDx Variant Classification Process June 2021. Collection method: clinical testing. Allele origin: germline. Affected: yes.
Comment: Not observed at significant frequency in large population cohorts (gnomAD); In silico analysis supports that this missense variant has a deleterious effect on protein structure/function; Has not been previously published as pathogenic or benign to our knowledge

NM_001127644.2(GABRA1):c.244G>C (p.Asp82His)

Gene: GABRA1 (gamma-aminobutyric acid type A receptor subunit alpha1; plus strand). Cytogenetic location: 5q34.
Variant type: single nucleotide variant.
Coding change: c.244G>C on transcript NM_001127644.2 (MANE Select); coding-DNA position 244, G replaced by C.
Protein change: p.Asp82His; replaces aspartic acid 82 with histidine.
Molecular consequence: missense variant.
Genome position (GRCh38, 1-based): chr5:161,865,777, G>C. VCF-style: chr5-161865777-G-C. GRCh37 (hg19) VCF-style: chr5-161292783-G-C.
Other names: c.244G>C, p.Asp82His (NM_000806.5, NM_001127643.2, NM_001127645.2 and 1 more transcripts); short protein forms D82H.
Identifiers: ClinVar variation 4686770 (VCV004686770.1).
Genomic context (GRCh38, chr5:161,865,777, plus strand): 5'-ACAGAGCGTGTAACCGAAGTGAAGACTGATATCTTCGTCACCAGTTTCGGACCCGTTTCA[G>C]ACCATGATATGGTAAGTGGACACTTTATCTTTGCTTTTCTTGAAGAATTTTTAAAATTTA-3'
Protein context (NP_001121116.1, residues 72-92): IFVTSFGPVS[Asp82His]HDMEYTIDVF